The following continues an entry in ClinVar:

NM_013275.6(ANKRD11):c.2398_2401del (p.Glu800fs)

Gene: ANKRD11. ClinVar aggregate classification (germline): Pathogenic/Likely pathogenic. Pathogenic (22); Likely pathogenic (1).

Submissions 10 to 25 of 25:

Labcorp Genetics (formerly Invitae), Labcorp
Classification: Pathogenic for KBG syndrome. Last evaluated: 2023-08-08. Review status: criteria provided, single submitter. Criteria: Invitae Variant Classification Sherloc (09022015). Collection method: clinical testing. Allele origin: germline.
Comment: For these reasons, this variant has been classified as Pathogenic. ClinVar contains an entry for this variant (Variation ID: 209131). This premature translational stop signal has been observed in individual(s) with KBG syndrome (PMID: 25464108, 27605097). In at least one individual the variant was observed to be de novo. It has also been observed to segregate with disease in related individuals. This variant is not present in population databases (gnomAD no frequency). This sequence change creates a premature translational stop signal (p.Glu800Asnfs*62) in the ANKRD11 gene. It is expected to result in an absent or disrupted protein product. Loss-of-function variants in ANKRD11 are known to be pathogenic (PMID: 21782149, 25125236, 25413698, 25652421).

Ambry Genetics
Classification: Pathogenic for Inborn genetic diseases. Last evaluated: 2022-09-27. Review status: criteria provided, single submitter. Criteria: Ambry Variant Classification Scheme 2023. Collection method: clinical testing. Allele origin: germline.
Comment: The c.2398_2401delGAAA (p.E800Nfs*62) alteration, located in exon 9 (coding exon 7) of the ANKRD11 gene, consists of a deletion of 4 nucleotides from position 2398 to 2401, causing a translational frameshift with a predicted alternate stop codon after 62 amino acids. This alteration is expected to result in loss of function by premature protein truncation or nonsense-mediated mRNA decay. This variant was not reported in population-based cohorts in the Genome Aggregation Database (gnomAD). This variant has been reported as a de novo mutation in multiple unrelated individuals with clinical features of KBG syndrome (Goldenberg, 2016; Gao, 2022). In addition, it has been found to segregate with disease in one family (Kim, 2015). Based on the available evidence, this alteration is classified as pathogenic.

GeneDx
Classification: Pathogenic. Last evaluated: 2021-11-09. Review status: criteria provided, single submitter. Criteria: GeneDx Variant Classification Process June 2021. Collection method: clinical testing. Allele origin: germline. Affected: yes.
Comment: Frameshift variant predicted to result in protein truncation or nonsense mediated decay in a gene for which loss-of-function is a known mechanism of disease; Not observed in large population cohorts (Lek et al., 2016); This variant is associated with the following publications: (PMID: 31703437, 31401500, 32124548, 27605097, 25464108, 27479843, 28135719, 31216405, 26633545, 33955014, 34387732)

Medical Cytogenetics and Molecular Genetics Laboratory, IRCCS Istituto Auxologico Italiano
Classification: Pathogenic for KBG syndrome. Last evaluated: 2021-11-01. Review status: criteria provided, single submitter. Criteria: ACMG Guidelines, 2015. Collection method: research. Allele origin: germline. Affected: yes. Observed: 1 variant allele.

HudsonAlpha Institute for Biotechnology
Classification: Pathogenic for KBG syndrome. Last evaluated: 2021-03-29. Review status: criteria provided, single submitter. Criteria: ACMG Guidelines, 2015. Collection method: research. Allele origin: unknown. Affected: yes. Observed: 1 variant allele. Study: HudsonAlpha-AGHI-WGS.
Comment: ACMG codes:PVS1, PS4M, PP5

Institute for Human Genetics, University Hospital Essen
Classification: Pathogenic for Global developmental delay. Last evaluated: 2021-01-22. Review status: criteria provided, single submitter. Criteria: ACMG Guidelines, 2015. Collection method: research. Allele origin: inherited. Affected: yes.

Institute of Medical Genetics and Applied Genomics, University Hospital Tübingen
Classification: Pathogenic. Last evaluated: 2020-10-23. Review status: criteria provided, single submitter. Criteria: ACMG Guidelines, 2015. Collection method: clinical testing. Allele origin: germline. Inheritance: Unknown mechanism. Affected: yes.

CeGaT Center for Human Genetics Tuebingen
Classification: Pathogenic. Last evaluated: 2020-02-01. Review status: criteria provided, single submitter. Criteria: CeGaT Center For Human Genetics Tuebingen Variant Classification Criteria Version 2. Collection method: clinical testing. Allele origin: germline. Affected: yes. Observed: 3 variant alleles.

Blueprint Genetics
Classification: Pathogenic for ANKRD11-related disorders. Last evaluated: 2018-08-20. Review status: criteria provided, single submitter. Criteria: ACMG Guidelines, 2015. Collection method: clinical testing. Allele origin: germline. Affected: yes. Observed: 2 variant alleles.

Molecular Genetics Laboratory, BC Children's and BC Women's Hospitals
Classification: Pathogenic for KBG syndrome. Last evaluated: 2017-08-29. Review status: criteria provided, single submitter. Criteria: ACMG Guidelines, 2015. Collection method: clinical testing. Allele origin: de novo. Affected: yes.

Baylor Genetics
Classification: Pathogenic for KBG syndrome. Last evaluated: 2012-07-27. Review status: criteria provided, single submitter. Criteria: Yang et al. 2013. Collection method: clinical testing. Allele origin: de novo. Inheritance: Autosomal dominant inheritance. Affected: yes. Observed: 1 variant allele, 1 heterozygote. Study: Adult_WES.

Clinical Genetics Service, Universitary Hospital 12 de Octubre
Classification: Pathogenic for KBG syndrome. Review status: criteria provided, single submitter. Criteria: ACMG Guidelines, 2015. Collection method: clinical testing. Allele origin: de novo. Affected: yes.

Juno Genomics, Hangzhou Juno Genomics, Inc
Classification: Pathogenic for KBG syndrome. Review status: criteria provided, single submitter. Criteria: ACMG Guidelines, 2015. Collection method: clinical testing. Allele origin: germline.
Comment: Absent from controls (or at extremely low frequency if recessive) in Genome Aggregation Database.;Null variant in a gene where loss of function (LOF) is a known mechanism of disease.;The prevalence of the variant in affected individuals is significantly increased compared to the prevalence in controls.;Co-segregation with disease in multiple affected family members.;Patient's phenotype or family history is highly specific for a disease with a single genetic etiology.

Solve-RD Consortium
Classification: Likely pathogenic for KBG syndrome. Review status: criteria provided, single submitter. Criteria: ACMG Guidelines, 2015. Collection method: provider interpretation. Allele origin: germline. Inheritance: Autosomal dominant inheritance. Affected: yes. Study: Solve-RD DIFT-EpiCARE reanalysis.
Comment: PVS1, PM2

Variant identified during reanalysis of unsolved cases by the Solve-RD project. The Solve-RD project has received funding from the European Union’s Horizon 2020 research and innovation programme under grant agreement No 779257.

Autoinflammatory diseases unit, CHU de Montpellier
Classification: Pathogenic for KBG syndrome. Last evaluated: 2017-05-18. Review status: no assertion criteria provided. Collection method: clinical testing. Allele origin: de novo. Affected: yes. Not counted in ClinVar's aggregate classification.

Service de Génétique Moléculaire, Hôpital Robert Debré
Classification: Pathogenic for Rare genetic intellectual disability. Review status: no assertion criteria provided. Collection method: clinical testing. Allele origin: de novo. Affected: yes. Not counted in ClinVar's aggregate classification.

Literature cited by the submitters: PubMed 42808190 (cited by Umrani?ye Training and Research Hospital); PubMed 27605097 (cited by 5 submitters); PubMed 25464108 (cited by 6 submitters); PubMed 29258554 (cited by Victorian Clinical Genetics Services, Murdoch Childrens Research Institute); PubMed 21782149 (cited by Dasa and Labcorp Genetics (formerly Invitae), Labcorp); PubMed 35330407 (cited by 3 submitters); PubMed 28422132 (cited by Dasa); PubMed 33955014 (cited by Laboratory for Molecular Medicine, Mass General Brigham Personalized Medicine and Institute for Human Genetics, University Hospital Essen); PubMed 35682590 (cited by Laboratory for Molecular Medicine, Mass General Brigham Personalized Medicine); PubMed 25125236 (cited by Labcorp Genetics (formerly Invitae), Labcorp); PubMed 25413698 (cited by Labcorp Genetics (formerly Invitae), Labcorp); PubMed 25652421 (cited by Labcorp Genetics (formerly Invitae), Labcorp); PubMed 26633545 (cited by Baylor Genetics).